The following is an entry in ClinVar:

NM_000059.4(BRCA2):c.4554del (p.Glu1518fs)

Gene: BRCA2 (BRCA2 DNA repair associated; plus strand). Cytogenetic location: 13q13.1.
Variant type: Deletion.
Coding change: c.4554del on transcript NM_000059.4 (MANE Select); coding-DNA position 4554, one base deleted (A; older notation c.4554delA).
Protein change: p.Glu1518fs; shifts the reading frame from glutamic acid 1518.
Molecular consequence: frameshift variant.
Genome position (GRCh38, 1-based): chr13:32,338,909, A deleted; the last of 2 consecutive A bases (chr13:32,338,908-32,338,909); deleting either gives the same sequence. VCF-style (leftmost placement, unchanged base first): chr13-32338907-GA-G. GRCh37 (hg19) VCF-style: chr13-32913044-GA-G.
Other names: NP_000050.3:p.Glu1518AspfsTer25; 4782delA; c.4554delA (NM_000059.3).
Identifiers: ClinVar variation 51671 (VCV000051671.64), dbSNP rs80359458, ClinGen allele CA020425.

ClinVar aggregate classification (germline): Pathogenic. Review status: reviewed by expert panel (3 of 4 stars). 15 submissions from 15 submitters: Pathogenic (1). 14 of the submissions do not count toward it. Last evaluated 2016-09-08.

Conditions:
Hereditary cancer-predisposing syndrome. Also called: Hereditary Cancer Syndrome; Tumor predisposition; Neoplastic Syndromes, Hereditary; Hereditary neoplastic syndrome. Identifiers: Orphanet 140162, MedGen C0027672, MeSH D009386, MONDO:0015356.
Hereditary breast ovarian cancer syndrome. Also called: Breast and ovarian cancer; BRCA1- and BRCA2-Associated Hereditary Breast and Ovarian Cancer; Hereditary breast and ovarian cancer; Hereditary breast and ovarian cancer syndrome (HBOC); Hereditary breast and ovarian cancer syndrome; Hereditary breast and/or ovarian cancer syndrome. Identifiers: Orphanet 145, MedGen C0677776, MeSH D061325, MONDO:0003582. Disease mechanism: loss of function.
Breast-ovarian cancer, familial, susceptibility to, 2 (BROVCA2). Also called: BRCA2 Hereditary Breast and Ovarian Cancer. Identifiers: Orphanet 145, MedGen C2675520, MONDO:0012933, OMIM 612555. Disease mechanism: loss of function.
Familial cancer of breast. Also called: BREAST CANCER, FAMILIAL; hereditary breast carcinoma; Hereditary breast cancer. Identifiers: Orphanet 227535, MedGen C0346153, MONDO:0016419, OMIM 114480. Disease mechanism: loss of function.

Submissions (15):

Evidence-based Network for the Interpretation of Germline Mutant Alleles (ENIGMA)
Classification: Pathogenic for Breast-ovarian cancer, familial, susceptibility to, 2. Last evaluated: 2016-09-08. Review status: reviewed by expert panel. Criteria: ENIGMA BRCA1/2 Classification Criteria (2015). Collection method: curation. Allele origin: germline.
Comment: Variant allele predicted to encode a truncated non-functional protein.

Women's Health and Genetics/Laboratory Corporation of America, LabCorp
Classification: Pathogenic for Hereditary breast ovarian cancer syndrome. Last evaluated: 2026-02-12. Review status: criteria provided, single submitter. Criteria: LabCorp Variant Classification Summary - May 2015. Collection method: clinical testing. Allele origin: germline. Not counted in ClinVar's aggregate classification.
Comment: Variant summary: BRCA2 c.4554delA (p.Glu1518AspfsX25) results in a premature termination codon, predicted to cause a truncation of the encoded protein or absence of the protein due to nonsense mediated decay, which are commonly known mechanisms for disease. The variant was absent in 250510 control chromosomes. c.4554delA has been observed in individual(s) affected with Hereditary Breast And Ovarian Cancer Syndrome (e.g. Meindl_2002). These data indicate that the variant may be associated with disease. To our knowledge, no experimental evidence demonstrating an impact on protein function has been reported. The following publications have been ascertained in the context of this evaluation (PMID: 11802209, 22160602). ClinVar contains an entry for this variant (Variation ID: 51671). Based on the evidence outlined above, the variant was classified as pathogenic.

CeGaT Center for Human Genetics Tuebingen
Classification: Pathogenic. Last evaluated: 2025-10-01. Review status: criteria provided, single submitter. Criteria: CeGaT Center For Human Genetics Tuebingen Variant Classification Criteria Version 2. Collection method: clinical testing. Allele origin: germline. Affected: yes. Observed: 2 variant alleles. Not counted in ClinVar's aggregate classification.
Comment: BRCA2: PVS1, PM2, PS4:Moderate

Labcorp Genetics (formerly Invitae), Labcorp
Classification: Pathogenic for Hereditary breast ovarian cancer syndrome. Last evaluated: 2024-04-24. Review status: criteria provided, single submitter. Criteria: Invitae Variant Classification Sherloc (09022015). Collection method: clinical testing. Allele origin: germline. Not counted in ClinVar's aggregate classification.
Comment: This sequence change creates a premature translational stop signal (p.Glu1518Aspfs*25) in the BRCA2 gene. It is expected to result in an absent or disrupted protein product. Loss-of-function variants in BRCA2 are known to be pathogenic (PMID: 20104584). This variant is not present in population databases (gnomAD no frequency). This variant has not been reported in the literature in individuals affected with BRCA2-related conditions. This variant is also known as 4782delA, 4781delA. ClinVar contains an entry for this variant (Variation ID: 51671). For these reasons, this variant has been classified as Pathogenic.

All of Us Research Program, National Institutes of Health
Classification: Pathogenic for Breast-ovarian cancer, familial, susceptibility to, 2. Last evaluated: 2023-05-31. Review status: criteria provided, single submitter. Criteria: ACMG Guidelines, 2015. Collection method: clinical testing. Allele origin: germline. Inheritance: Autosomal dominant inheritance. Observed: 1 variant allele, 1 heterozygote. Not counted in ClinVar's aggregate classification.
Comment: The c.4554del (p.Glu1518Aspfs*25) variant in the BRCA2 gene is located on the exon 11 and is predicted to result in shift of reading frame that introduces a premature translation termination codon (p.Glu1518Aspfs*25), resulting in an absent or disrupted protein product. Loss-of-function variants of BRCA2 are known to be pathogenic (PMID: 29446198, 11897832, 8988179). The variant has been reported in 3 unrelated individuals with ovarian cancer, hepatocellular carcinoma, or pancreatic ductal adenocarcinoma (PMID: 29483665, 34250406, 29483665). The variant is reported in ClinVar as pathogenic (ID: 51671) and reviewed by the expert panel. This variant is absent in the general population database (gnomAD). Therefore, the c.4554del (p.Glu1518Aspfs*25) variant of BRCA2 has been classified as pathogenic.

This study involves interpretation of variants in research participants for the purpose of population health screening. Participant phenotype was not available at the time of variant classification. Additional details can be found in publication PMID: 35346344, PMCID: PMC8962531

Quest Diagnostics Nichols Institute San Juan Capistrano
Classification: Pathogenic. Last evaluated: 2022-12-07. Review status: criteria provided, single submitter. Criteria: Quest Diagnostics criteria. Collection method: clinical testing. Allele origin: unknown. Not counted in ClinVar's aggregate classification.
Comment: This frameshift variant alters the translational reading frame of the BRCA2 mRNA and causes the premature termination of BRCA2 protein synthesis. It has not been reported in large, multi-ethnic general populations. In the published literature, the variant has been reported in an individual with a personal and/or family history of breast and/or ovarian cancer (PMID: 11802209 (2002)). Based on the available information, this variant is classified as pathogenic.

Ambry Genetics
Classification: Pathogenic for Hereditary cancer-predisposing syndrome. Last evaluated: 2022-09-28. Review status: criteria provided, single submitter. Criteria: Ambry Variant Classification Scheme 2023. Collection method: clinical testing. Allele origin: germline. Not counted in ClinVar's aggregate classification.
Comment: The c.4554delA pathogenic mutation, located in coding exon 10 of the BRCA2 gene, results from a deletion of one nucleotide at nucleotide position 4554, causing a translational frameshift with a predicted alternate stop codon (p.E1518Dfs*25). This alteration was detected in 1/989 unrelated individuals from a cohort of German breast/ovarian cancer families (Meindl A et al. Int. J. Cancer, 2002 Feb;97:472-80). In addition to the clinical data presented in the literature, this alteration is expected to result in loss of function by premature protein truncation or nonsense-mediated mRNA decay. As such, this alteration is interpreted as a disease-causing mutation.

National Health Laboratory Service, Universitas Academic Hospital and University of the Free State
Classification: Pathogenic for Hereditary breast ovarian cancer syndrome. Last evaluated: 2022-04-19. Review status: criteria provided, single submitter. Criteria: ACMG Guidelines, 2015. Collection method: clinical testing. Allele origin: germline. Affected: yes. Observed: 1 variant allele. Not counted in ClinVar's aggregate classification.

Baylor Genetics
Classification: Pathogenic for Familial cancer of breast. Last evaluated: 2021-11-07. Review status: criteria provided, single submitter. Criteria: ACMG Guidelines, 2015. Collection method: clinical testing. Allele origin: unknown. Not counted in ClinVar's aggregate classification.

Color Diagnostics, LLC DBA Color Health
Classification: Pathogenic for Hereditary cancer-predisposing syndrome. Last evaluated: 2020-01-15. Review status: criteria provided, single submitter. Criteria: ACMG Guidelines, 2015. Collection method: clinical testing. Allele origin: germline. Not counted in ClinVar's aggregate classification.
Comment: This variant deletes 1 nucleotide in exon 11 of the BRCA2 gene, creating a frameshift and premature translation stop signal. This variant is expected to result in an absent or non-functional protein product. This variant has not been identified in the general population by the Genome Aggregation Database (gnomAD). Loss of BRCA2 function is a known mechanism of disease. Based on the available evidence, this variant is classified as Pathogenic.

Consortium of Investigators of Modifiers of BRCA1/2 (CIMBA), c/o University of Cambridge
Classification: Pathogenic for Breast-ovarian cancer, familial, susceptibility to, 2. Last evaluated: 2015-10-02. Review status: criteria provided, single submitter. Criteria: CIMBA Mutation Classification guidelines May 2016. Collection method: clinical testing. Allele origin: germline. Not counted in ClinVar's aggregate classification.

Counsyl
Classification: Likely pathogenic for Breast-ovarian cancer, familial, susceptibility to, 2. Last evaluated: 2016-11-22. Review status: no assertion criteria provided. Collection method: clinical testing. Allele origin: unknown. Not counted in ClinVar's aggregate classification.

Research Molecular Genetics Laboratory, Women's College Hospital, University of Toronto
Classification: Pathogenic for Hereditary breast ovarian cancer syndrome. Last evaluated: 2014-01-31. Review status: no assertion criteria provided. Collection method: research. Allele origin: germline. Affected: yes. Study: The Canadian Open Genetics Repository (COGR). Not counted in ClinVar's aggregate classification.

Sharing Clinical Reports Project (SCRP)
Classification: Pathogenic for Breast-ovarian cancer, familial 2. Last evaluated: 2010-05-27. Review status: no assertion criteria provided. Collection method: clinical testing. Allele origin: germline. Not counted in ClinVar's aggregate classification.

Breast Cancer Information Core (BIC) (BRCA2)
Classification: Pathogenic for Breast-ovarian cancer, familial 2. Review status: no assertion criteria provided. Collection method: clinical testing. Allele origin: germline. Affected: yes. Observed: 3 variant alleles. Not counted in ClinVar's aggregate classification.

Literature cited by the submitters: PubMed 11802209 (cited by 4 submitters); PubMed 22160602 (cited by Women's Health and Genetics/Laboratory Corporation of America, LabCorp); PubMed 20104584 (cited by Labcorp Genetics (formerly Invitae), Labcorp); PubMed 8988179 (cited by All of Us Research Program, National Institutes of Health); PubMed 11897832 (cited by All of Us Research Program, National Institutes of Health); PubMed 29446198 (cited by All of Us Research Program, National Institutes of Health and Quest Diagnostics Nichols Institute San Juan Capistrano); PubMed 29483665 (cited by All of Us Research Program, National Institutes of Health); PubMed 34250406 (cited by All of Us Research Program, National Institutes of Health).